The following is an entry in ClinVar:

NM_005609.4(PYGM):c.2040_2041insCC (p.Lys681fs)

Gene: PYGM (glycogen phosphorylase, muscle associated; minus strand). Cytogenetic location: 11q13.1.
Variant type: Insertion.
Coding change: c.2040_2041insCC on transcript NM_005609.4 (MANE Select); coding-DNA positions 2040 to 2041, CC inserted.
Protein change: p.Lys681fs; shifts the reading frame from lysine 681.
Molecular consequence: frameshift variant.
Genome position: GRCh38 VCF-style: chr11-64750512-T-TGG. GRCh37 (hg19) VCF-style: chr11-64517984-T-TGG.
Other names: c.1776_1777insCC, p.Lys593fs (NM_001164716.1); short protein forms K681fs, K593fs.
Identifiers: ClinVar variation 3600030 (VCV003600030.2).

ClinVar aggregate classification (germline): Pathogenic/Likely pathogenic. Review status: criteria provided, multiple submitters, no conflicts (2 of 4 stars). 2 submissions from 2 submitters: Pathogenic (1); Likely pathogenic (1). Last evaluated 2024-01-03.

Conditions:
Glycogen storage disease, type V (GSD5). Also called: McArdle type glycogen storage disease; MCARDLE DISEASE; MUSCLE GLYCOGEN PHOSPHORYLASE DEFICIENCY; MYOPHOSPHORYLASE DEFICIENCY; PYGM DEFICIENCY. Identifiers: Orphanet 368, MedGen C0017924, MONDO:0009293, OMIM 232600.

Submissions (2):

Fulgent Genetics
Classification: Likely pathogenic for Glycogen storage disease, type V. Last evaluated: 2024-01-03. Review status: criteria provided, single submitter. Criteria: ACMG Guidelines, 2015. Collection method: clinical testing. Allele origin: germline.

Myriad Genetics, Inc.
Classification: Pathogenic for Glycogen storage disease, type V. Last evaluated: 2023-08-19. Review status: criteria provided, single submitter. Criteria: Myriad Autosomal Dominant, Autosomal Recessive and X-Linked Classification Criteria (2023). Collection method: clinical testing. Allele origin: unknown.
Comment: NM_005609.2(PYGM):c.2040_2041insCC(K681Pfs*9) is expected to be pathogenic in the context of glycogen storage disease, PYGM-related. This variant is predicted to lead to an abnormal or absent protein product due to the creation of a premature termination codon in PYGM, a gene where loss-of-function variants are known to be pathogenic. Please note: this variant was assessed in the context of healthy population screening.